The following is an entry in ClinVar:

ClinVar aggregate classification (germline): Likely benign. Review status: criteria provided, multiple submitters, no conflicts (2 of 4 stars). 2 submissions from 2 submitters: Likely benign (2). Last evaluated 2026-07-22.

Conditions:
TFAP2A-related disorder. Also called: TFAP2A-related condition.

gnomAD v4.1: 37 of 1,612,614 alleles (0.0023%); highest among the groups gnomAD compares: Middle Eastern, 0.18%; 1 homozygote.

Submissions (2):

PreventionGenetics, part of Exact Sciences
Classification: Likely benign for TFAP2A-related condition. Last evaluated: 2026-07-22. Review status: criteria provided, single submitter. Criteria: ACMG Guidelines, 2015. Collection method: clinical testing. Allele origin: germline.
Comment: This variant is classified as likely benign based on ACMG/AMP sequence variant interpretation guidelines (Richards et al. 2015 PMID: 25741868, with internal and published modifications).

Labcorp Genetics (formerly Invitae), Labcorp
Classification: Likely benign. Last evaluated: 2025-05-22. Review status: criteria provided, single submitter. Criteria: Invitae Variant Classification Sherloc (09022015). Collection method: clinical testing. Allele origin: germline.

NM_001372066.1(TFAP2A):c.264C>T (p.His88=)

Gene: TFAP2A (transcription factor AP-2 alpha; minus strand). Cytogenetic location: 6p24.3.
Variant type: single nucleotide variant.
Coding change: c.264C>T on transcript NM_001372066.1 (MANE Select); coding-DNA position 264, C replaced by T.
Protein change: p.His88=; no amino-acid change (histidine 88 retained).
Molecular consequence: synonymous variant.
Genome position (GRCh38, 1-based): chr6:10,410,123, G>A on the plus strand (C>T on the coding strand, the complement: TFAP2A is on the minus strand). VCF-style: chr6-10410123-G-A. GRCh37 (hg19) VCF-style: chr6-10410356-G-A.
Other names: NM_003220.2:c.258C>T; c.240C>T, p.His80= (NM_001032280.3); c.246C>T, p.His82= (NM_001042425.3).
Identifiers: ClinVar variation 3603402 (VCV003603402.3).